The following is an entry in ClinVar:

NM_000107.3(DDB2):c.702+1G>T

Gene: DDB2 (damage specific DNA binding protein 2; plus strand). Cytogenetic location: 11p11.2.
Variant type: single nucleotide variant.
Coding change: c.702+1G>T on transcript NM_000107.3 (MANE Select); the canonical splice donor site of the intron after coding-DNA position 702, G replaced by T.
Molecular consequence: splice donor variant. On other transcripts: intron variant (2).
Genome position (GRCh38, 1-based): chr11:47,234,673, G>T. VCF-style: chr11-47234673-G-T. GRCh37 (hg19) VCF-style: chr11-47256224-G-T.
Other names: c.702+1G>T (NM_001399874.1, NM_001399875.1); c.457-3164G>T (NM_001399876.1, NM_001300734.2); c.510+1G>T (NM_001399878.1).
Identifiers: ClinVar variation 3067698 (VCV003067698.22), dbSNP rs1218859102, ClinGen allele CA380295758.

ClinVar aggregate classification (germline): Pathogenic/Likely pathogenic. Review status: criteria provided, multiple submitters, no conflicts (2 of 4 stars). 2 submissions from 2 submitters: Pathogenic (1); Likely pathogenic (1). Last evaluated 2025-11-18.

Conditions:
Xeroderma pigmentosum, group E (XPE). Also called: Xeroderma pigmentosum, complementation group E; XERODERMA PIGMENTOSUM V; XP, GROUP E; Xeroderma pigmentosum, group E, DDB-negative subtype; DDB2-Related Xeroderma Pigmentosum; Xeroderma pigmentosum, complementation group E, DDB-negative form. Identifiers: Orphanet 910, MedGen C1848411, MONDO:0010213, OMIM 278740.

gnomAD v4.1: 2 of 1,614,026 alleles (0.00012%); highest among the groups gnomAD compares: Non-Finnish European, 0.00017%; no homozygotes.

Submissions (2):

Department of Clinical Genetics, Copenhagen University Hospital, Rigshospitalet
Classification: Likely pathogenic for Xeroderma pigmentosum, group E. Last evaluated: 2025-11-18. Review status: criteria provided, single submitter. Criteria: ACMG Guidelines, 2015. Collection method: clinical testing. Allele origin: germline. Affected: yes.
Comment: The following ACMG criteria has been used: PM2_SUP; PVS1

CeGaT Center for Human Genetics Tuebingen
Classification: Pathogenic. Last evaluated: 2024-05-01. Review status: criteria provided, single submitter. Criteria: CeGaT Center For Human Genetics Tuebingen Variant Classification Criteria Version 2. Collection method: clinical testing. Allele origin: germline. Affected: yes. Observed: 2 variant alleles.
Comment: DDB2: PVS1, PM2